The following is an entry in ClinVar:

NM_001134831.2(AHI1):c.1532TTG[1] (p.Val512del)

Gene: AHI1 (Abelson helper integration site 1; minus strand). Cytogenetic location: 6q23.3.
Variant type: Microsatellite.
Coding change: c.1532TTG[1] on transcript NM_001134831.2 (MANE Select); one copy of the 3-base unit TTG starting at c.1532; the reference has two copies in a row; one copy, 3 bases deleted.
Protein change: p.Val512del; deletes valine 512.
Molecular consequence: inframe deletion.
Genome position (GRCh38, 1-based): chr6:135,448,379-135,448,381, CAA deleted on the plus strand (TTG on the coding strand, the reverse complement: AHI1 is on the minus strand); deleting any 3 consecutive bases within chr6:135,448,379-135,448,386 gives the same sequence; the position shown is the placement nearest the transcript's 3' end. VCF-style (leftmost placement, unchanged base first): chr6-135448378-TCAA-T. GRCh37 (hg19) VCF-style: chr6-135769516-TCAA-T.
Other names: c.1535_1537del (NM_017651.4); c.1532TTG[1], p.Val512del (NM_001134830.2, NM_001134832.2, NM_001350503.2 and 2 more transcripts); short protein forms V512del.
Identifiers: ClinVar variation 960392 (VCV000960392.10), dbSNP rs1787565839, ClinGen allele CA1665871010.

ClinVar aggregate classification (germline): Uncertain significance (1 of 4 stars; one submission).

Conditions:
Joubert syndrome. Also called: Familial aplasia of the vermis; CEREBELLOPARENCHYMAL DISORDER IV; JOUBERT-BOLTSHAUSER SYNDROME. Identifiers: Orphanet 475, MedGen C5979921, MONDO:0018772.

Submission:

Labcorp Genetics (formerly Invitae), Labcorp
Classification: Uncertain significance for Joubert syndrome. Last evaluated: 2022-02-09. Review status: criteria provided, single submitter. Criteria: Invitae Variant Classification Sherloc (09022015). Collection method: clinical testing. Allele origin: germline.
Comment: In summary, the available evidence is currently insufficient to determine the role of this variant in disease. Therefore, it has been classified as a Variant of Uncertain Significance. Experimental studies and prediction algorithms are not available or were not evaluated, and the functional significance of this variant is currently unknown. ClinVar contains an entry for this variant (Variation ID: 960392). This variant has not been reported in the literature in individuals affected with AHI1-related conditions. This variant is not present in population databases (gnomAD no frequency). This variant, c.1535_1537del, results in the deletion of 1 amino acid(s) of the AHI1 protein (p.Val512del), but otherwise preserves the integrity of the reading frame.